The following is an entry in ClinVar:

ClinVar aggregate classification (germline): Benign. Review status: criteria provided, multiple submitters, no conflicts (2 of 4 stars). 7 submissions from 7 submitters: Benign (6). 1 of the submissions does not count toward it. Last evaluated 2026-01-28.

Conditions:
Hyperphosphatasia with impaired intellectual development syndrome 2. Also called: Hyperphosphatasia with intellectual disability syndrome 2; GLYCOSYLPHOSPHATIDYLINOSITOL BIOSYNTHESIS DEFECT 6. Identifiers: Orphanet 247262, MedGen C3553637, MONDO:0013882, OMIM 614749.
PIGO-related disorder. Also called: PIGO-related condition.

Allele frequency attached by ClinVar (database versions not stated): 1000 Genomes Project 0.00519; TOPMed 0.00639; gnomAD exomes 0.00057 and 0.00146; ExAC 0.00180; gnomAD 0.00538 and 0.00578; 1000 Genomes Project 30x 0.00531; ESP Exome Variant Server 0.00700.

Submissions (7):

Labcorp Genetics (formerly Invitae), Labcorp
Classification: Benign for Hyperphosphatasia with impaired intellectual development syndrome 2. Last evaluated: 2026-01-28. Review status: criteria provided, single submitter. Criteria: Invitae Variant Classification Sherloc (09022015). Collection method: clinical testing. Allele origin: germline.

Mayo Clinic Laboratories, Mayo Clinic
Classification: Benign. Last evaluated: 2025-01-21. Review status: criteria provided, single submitter. Criteria: ACMG Guidelines, 2015. Collection method: clinical testing. Allele origin: germline. Observed: 4 variant alleles.
Comment: BA1

Athena Diagnostics
Classification: Benign. Last evaluated: 2018-04-11. Review status: criteria provided, single submitter. Criteria: Athena Diagnostics Criteria. Collection method: clinical testing. Allele origin: germline.

Illumina Laboratory Services, Illumina
Classification: Benign for Hyperphosphatasia with impaired intellectual development syndrome 2. Last evaluated: 2018-01-13. Review status: criteria provided, single submitter. Criteria: ICSL Variant Classification Criteria 13 December 2019. Collection method: clinical testing. Allele origin: germline.
Comment: This variant was observed in the ICSL laboratory as part of a predisposition screen in an ostensibly healthy population. It had not been previously curated by ICSL or reported in the Human Gene Mutation Database (HGMD: prior to June 1st, 2018), and was therefore a candidate for classification through an automated scoring system. Utilizing variant allele frequency, disease prevalence and penetrance estimates, and inheritance mode, an automated score was calculated to assess if this variant is too frequent to cause the disease. Based on the score and internal cut-off values, a variant classified as benign is not then subjected to further curation. The score for this variant resulted in a classification of benign for this disease.

GeneDx
Classification: Benign. Last evaluated: 2016-01-28. Review status: criteria provided, single submitter. Criteria: GeneDx Variant Classification (06012015). Collection method: clinical testing. Allele origin: germline. Affected: yes.
Comment: This variant is considered likely benign or benign based on one or more of the following criteria: it is a conservative change, it occurs at a poorly conserved position in the protein, it is predicted to be benign by multiple in silico algorithms, and/or has population frequency not consistent with disease.

Breakthrough Genomics
Classification: Benign. Review status: criteria provided, single submitter. Criteria: ACMG Guidelines, 2015. Collection method: not provided. Allele origin: germline. Inheritance: Autosomal recessive inheritance. Affected: yes.

PreventionGenetics, part of Exact Sciences
Classification: Benign for PIGO-related condition. Last evaluated: 2024-01-03. Review status: no assertion criteria provided. Collection method: clinical testing. Allele origin: germline. Not counted in ClinVar's aggregate classification.
Comment: This variant is classified as benign based on ACMG/AMP sequence variant interpretation guidelines (Richards et al. 2015 PMID: 25741868, with internal and published modifications).

NM_032634.4(PIGO):c.2432G>A (p.Arg811Gln)

Gene: PIGO (phosphatidylinositol glycan anchor biosynthesis class O; minus strand). Cytogenetic location: 9p13.3.
Variant type: single nucleotide variant.
Coding change: c.2432G>A on transcript NM_032634.4 (MANE Select); coding-DNA position 2432, G replaced by A.
Protein change: p.Arg811Gln; replaces arginine 811 with glutamine.
Molecular consequence: missense variant. On other transcripts: intron variant (2).
Genome position (GRCh38, 1-based): chr9:35,091,455, C>T on the plus strand (G>A on the coding strand, the complement: PIGO is on the minus strand). VCF-style: chr9-35091455-C-T. GRCh37 (hg19) VCF-style: chr9-35091452-C-T.
Other names: p.Arg811Gln; c.1345-164G>A (NM_152850.4, NM_001201484.2); short protein forms R811Q.
Identifiers: ClinVar variation 383096 (VCV000383096.20), dbSNP rs75579358, ClinGen allele CA5040413.